The following is an entry in ClinVar:

NM_002382.5(MAX):c.328C>G (p.Gln110Glu)

Gene: MAX (MYC associated transcriptional regulator X; minus strand). Cytogenetic location: 14q23.3.
Variant type: single nucleotide variant.
Coding change: c.328C>G on transcript NM_002382.5 (MANE Select); coding-DNA position 328, C replaced by G.
Protein change: p.Gln110Glu; replaces glutamine 110 with glutamic acid.
Molecular consequence: missense variant. On other transcripts: 3 prime UTR variant (1), intron variant (2).
Genome position (GRCh38, 1-based): chr14:65,076,631, G>C on the plus strand (C>G on the coding strand, the complement: MAX is on the minus strand). VCF-style: chr14-65076631-G-C. GRCh37 (hg19) VCF-style: chr14-65543349-G-C.
Other names: c.*117C>G (NM_001407097.1, NM_001407100.1, NM_001407101.1 and 4 more transcripts); c.220C>G, p.Gln74Glu (NM_001407098.1); c.*101C>G (NM_001407099.1, NM_001407102.1, NM_001407104.1 and 2 more transcripts); c.139C>G, p.Gln47Glu (NM_001407105.1, NM_001407106.1, NM_001407107.1 and 1 more transcripts); c.127C>G, p.Gln43Glu (NM_001407111.1, NM_001407112.1); c.301C>G, p.Gln101Glu (NM_145112.3, NM_001407095.1); c.144+17077C>G (NM_001271069.2); c.171+17077C>G (NM_197957.4); and 1 more; short protein forms Q110E, Q47E, Q101E, Q74E, Q43E.
Identifiers: ClinVar variation 960788 (VCV000960788.7), dbSNP rs2063065600, ClinGen allele CA390031883.

ClinVar aggregate classification (germline): Uncertain significance. Review status: criteria provided, multiple submitters, no conflicts (2 of 4 stars). 2 submissions from 2 submitters: Uncertain significance (2). Last evaluated 2024-04-29.

Conditions:
Hereditary pheochromocytoma and paraganglioma. Also called: Hereditary pheochromocytoma-paraganglioma; Hereditary Paraganglioma-Pheochromocytoma Syndromes; Hereditary paragangliomas and pheochromocytomas. Identifiers: Orphanet 29072, MedGen C4274332, MONDO:0017366.
Hereditary cancer-predisposing syndrome. Also called: Hereditary neoplastic syndrome; Hereditary Cancer Syndrome; Tumor predisposition; Neoplastic Syndromes, Hereditary. Identifiers: Orphanet 140162, MedGen C0027672, MeSH D009386, MONDO:0015356.

Submissions (2):

Labcorp Genetics (formerly Invitae), Labcorp
Classification: Uncertain significance for Hereditary pheochromocytoma and paraganglioma. Last evaluated: 2024-04-29. Review status: criteria provided, single submitter. Criteria: Invitae Variant Classification Sherloc (09022015). Collection method: clinical testing. Allele origin: germline.
Comment: This sequence change replaces glutamine, which is neutral and polar, with glutamic acid, which is acidic and polar, at codon 110 of the MAX protein (p.Gln110Glu). This variant is not present in population databases (gnomAD no frequency). This variant has not been reported in the literature in individuals affected with MAX-related conditions. ClinVar contains an entry for this variant (Variation ID: 960788). An algorithm developed to predict the effect of missense changes on protein structure and function (PolyPhen-2) suggests that this variant is likely to be tolerated. In summary, the available evidence is currently insufficient to determine the role of this variant in disease. Therefore, it has been classified as a Variant of Uncertain Significance.

Ambry Genetics
Classification: Uncertain significance for Hereditary cancer-predisposing syndrome. Last evaluated: 2023-12-08. Review status: criteria provided, single submitter. Criteria: Ambry Variant Classification Scheme 2023. Collection method: clinical testing. Allele origin: germline.
Comment: The p.Q110E variant (also known as c.328C>G), located in coding exon 5 of the MAX gene, results from a C to G substitution at nucleotide position 328. The glutamine at codon 110 is replaced by glutamic acid, an amino acid with highly similar properties. This amino acid position is highly conserved in available vertebrate species. In addition, this alteration is predicted to be deleterious by in silico analysis. Since supporting evidence is limited at this time, the clinical significance of this alteration remains unclear.